The following is an entry in ClinVar:

NM_058216.3(RAD51C):c.-3G>T

Gene: RAD51C (RAD51 paralog C; plus strand). Cytogenetic location: 17q22.
Variant type: single nucleotide variant.
Coding change: c.-3G>T on transcript NM_058216.3 (MANE Select); 3 bases upstream of the start codon, G replaced by T.
Molecular consequence: 5 prime UTR variant. On other transcripts: non-coding transcript variant (2).
Genome position (GRCh38, 1-based): chr17:58,692,641, G>T. VCF-style: chr17-58692641-G-T. GRCh37 (hg19) VCF-style: chr17-56770002-G-T.
Other names: c.-3G>T (NM_002876.4).
Identifiers: ClinVar variation 824488 (VCV000824488.6), dbSNP rs864622151, ClinGen allele CA915950638.

ClinVar aggregate classification (germline): Uncertain significance. Review status: criteria provided, multiple submitters, no conflicts (2 of 4 stars). 2 submissions from 2 submitters: Uncertain significance (2). Last evaluated 2024-01-29.

Conditions:
Hereditary cancer-predisposing syndrome. Also called: Neoplastic Syndromes, Hereditary; Tumor predisposition; Hereditary neoplastic syndrome; Hereditary Cancer Syndrome. Identifiers: Orphanet 140162, MedGen C0027672, MeSH D009386, MONDO:0015356.

Submissions (2):

Color Diagnostics, LLC DBA Color Health
Classification: Uncertain significance for Hereditary cancer-predisposing syndrome. Last evaluated: 2024-01-29. Review status: criteria provided, single submitter. Criteria: ACMG Guidelines, 2015. Collection method: clinical testing. Allele origin: germline.
Comment: This variant is located in the 5' untranslated region of the RAD51C gene. To our knowledge, functional studies have not been reported for this variant. This variant has not been reported in individuals affected with hereditary cancer in the literature. This variant has not been identified in the general population by the Genome Aggregation Database (gnomAD). The available evidence is insufficient to determine the role of this variant in disease conclusively. Therefore, this variant is classified as a Variant of Uncertain Significance.

Ambry Genetics
Classification: Uncertain significance for Hereditary cancer-predisposing syndrome. Last evaluated: 2019-08-01. Review status: criteria provided, single submitter. Criteria: Ambry Variant Classification Scheme 2023. Collection method: clinical testing. Allele origin: germline.
Comment: The c.-3G>T variant is located in the 5' untranslated region (5&rsquo; UTR) of the RAD51C gene. This variant results from a G to T substitution 3 bases upstream from the first translated codon. This nucleotide position is well conserved through primates on limited sequence alignment. Since supporting evidence is limited at this time, the clinical significance of this alteration remains unclear.